The following is an entry in ClinVar:

NM_024580.6(EFL1):c.2935C>T (p.Arg979Cys)

Gene: EFL1 (elongation factor like GTPase 1; minus strand). Cytogenetic location: 15q25.2.
Variant type: single nucleotide variant.
Coding change: c.2935C>T on transcript NM_024580.6 (MANE Select); coding-DNA position 2935, C replaced by T.
Protein change: p.Arg979Cys; replaces arginine 979 with cysteine.
Molecular consequence: missense variant. On other transcripts: non-coding transcript variant (1).
Genome position (GRCh38, 1-based): chr15:82,151,519, G>A on the plus strand (C>T on the coding strand, the complement: EFL1 is on the minus strand). VCF-style: chr15-82151519-G-A. GRCh37 (hg19) VCF-style: chr15-82443860-G-A.
Other names: c.2782C>T, p.Arg928Cys (NM_001040610.3); c.2146C>T, p.Arg716Cys (NM_001322844.2); c.2935C>T, p.Arg979Cys (NM_001322845.2); short protein forms R979C, R716C, R928C.
Identifiers: ClinVar variation 3000995 (VCV003000995.3), dbSNP rs376049108, ClinGen allele CA273470554.

ClinVar aggregate classification (germline): Uncertain significance (1 of 4 stars; one submission).

Allele frequency attached by ClinVar (database versions not stated): gnomAD exomes 0.00001; TOPMed 0.00001; ESP Exome Variant Server 0.00008.
gnomAD v4.1: 5 of 1,613,996 alleles (0.00031%); highest among the groups gnomAD compares: Non-Finnish European, 0.00042%; no homozygotes.

Submission:

Labcorp Genetics (formerly Invitae), Labcorp
Classification: Uncertain significance. Last evaluated: 2023-06-22. Review status: criteria provided, single submitter. Criteria: Invitae Variant Classification Sherloc (09022015). Collection method: clinical testing. Allele origin: germline.
Comment: In summary, the available evidence is currently insufficient to determine the role of this variant in disease. Therefore, it has been classified as a Variant of Uncertain Significance. Advanced modeling of protein sequence and biophysical properties (such as structural, functional, and spatial information, amino acid conservation, physicochemical variation, residue mobility, and thermodynamic stability) performed at Invitae indicates that this missense variant is expected to disrupt EFL1 protein function. This variant has not been reported in the literature in individuals affected with EFL1-related conditions. This variant is present in population databases (rs376049108, gnomAD 0.0009%). This sequence change replaces arginine, which is basic and polar, with cysteine, which is neutral and slightly polar, at codon 979 of the EFL1 protein (p.Arg979Cys).